The following is an entry in ClinVar:

ClinVar aggregate classification (germline): Uncertain significance (1 of 4 stars; one submission).

Conditions:
Legius syndrome. Identifiers: Orphanet 137605, MedGen C1969623, MONDO:0012669, OMIM 611431. Disease mechanism: loss of function.

Submission:

Labcorp Genetics (formerly Invitae), Labcorp
Classification: Uncertain significance for Legius syndrome. Last evaluated: 2024-07-12. Review status: criteria provided, single submitter. Criteria: Invitae Variant Classification Sherloc (09022015). Collection method: clinical testing. Allele origin: germline.
Comment: This sequence change replaces alanine, which is neutral and non-polar, with glycine, which is neutral and non-polar, at codon 276 of the SPRED1 protein (p.Ala276Gly). This variant is not present in population databases (gnomAD no frequency). This variant has not been reported in the literature in individuals affected with SPRED1-related conditions. Advanced modeling of protein sequence and biophysical properties (such as structural, functional, and spatial information, amino acid conservation, physicochemical variation, residue mobility, and thermodynamic stability) performed at Invitae indicates that this missense variant is not expected to disrupt SPRED1 protein function with a negative predictive value of 80%. Algorithms developed to predict the effect of sequence changes on RNA splicing suggest that this variant may create or strengthen a splice site. In summary, the available evidence is currently insufficient to determine the role of this variant in disease. Therefore, it has been classified as a Variant of Uncertain Significance.

NM_152594.3(SPRED1):c.827C>G (p.Ala276Gly)

Gene: SPRED1 (sprouty related EVH1 domain containing 1; plus strand). Cytogenetic location: 15q14.
Variant type: single nucleotide variant.
Coding change: c.827C>G on transcript NM_152594.3 (MANE Select); coding-DNA position 827, C replaced by G.
Protein change: p.Ala276Gly; replaces alanine 276 with glycine.
Molecular consequence: missense variant.
Genome position (GRCh38, 1-based): chr15:38,351,156, C>G. VCF-style: chr15-38351156-C-G. GRCh37 (hg19) VCF-style: chr15-38643357-C-G.
Other names: short protein forms A276G.
Identifiers: ClinVar variation 3659416 (VCV003659416.2).
Genomic context (GRCh38, chr15:38,351,156, plus strand): 5'-GTCGCTATGCAGACTACAGACATCCTGACATGTGGAAAAATGACTTGGAAAGAGATGATG[C>G]TGATTCCAGTATTCAGTTTTCTAAACCAGACAGTAAAAAATCAGACTATCTGTACTCTTG-3'
Protein context (NP_689807.1, residues 266-286): MWKNDLERDD[Ala276Gly]DSSIQFSKPD